The following is an entry in ClinVar:

ClinVar aggregate classification (germline): Uncertain significance (1 of 4 stars; one submission).

Conditions:
Arrhythmogenic right ventricular dysplasia 11. Also called: ARRHYTHMOGENIC RIGHT VENTRICULAR DYSPLASIA, FAMILIAL, 11; Arrhythmogenic Right Ventricular Dysplasia/Cardiomyopathy11; Arrhythmogenic right ventricular dysplasia 11 with mild palmoplantar keratoderma and woolly hair. Identifiers: MedGen C1864850, MONDO:0012506, OMIM 610476.

Submission:

Labcorp Genetics (formerly Invitae), Labcorp
Classification: Uncertain significance for Arrhythmogenic right ventricular dysplasia 11. Last evaluated: 2024-09-02. Review status: criteria provided, single submitter. Criteria: Invitae Variant Classification Sherloc (09022015). Collection method: clinical testing. Allele origin: germline.
Comment: This sequence change replaces proline, which is neutral and non-polar, with alanine, which is neutral and non-polar, at codon 498 of the DSC2 protein (p.Pro498Ala). This variant is not present in population databases (gnomAD no frequency). This variant has not been reported in the literature in individuals affected with DSC2-related conditions. Invitae Evidence Modeling of protein sequence and biophysical properties (such as structural, functional, and spatial information, amino acid conservation, physicochemical variation, residue mobility, and thermodynamic stability) indicates that this missense variant is expected to disrupt DSC2 protein function with a positive predictive value of 80%. In summary, the available evidence is currently insufficient to determine the role of this variant in disease. Therefore, it has been classified as a Variant of Uncertain Significance.

NM_024422.6(DSC2):c.1492C>G (p.Pro498Ala)

Gene: DSC2 (desmocollin 2; minus strand). Cytogenetic location: 18q12.1.
Variant type: single nucleotide variant.
Coding change: c.1492C>G on transcript NM_024422.6 (MANE Select); coding-DNA position 1492, C replaced by G.
Protein change: p.Pro498Ala; replaces proline 498 with alanine.
Molecular consequence: missense variant.
Genome position (GRCh38, 1-based): chr18:31,080,124, G>C on the plus strand (C>G on the coding strand, the complement: DSC2 is on the minus strand). VCF-style: chr18-31080124-G-C. GRCh37 (hg19) VCF-style: chr18-28660090-G-C.
Other names: c.1063C>G, p.Pro355Ala (NM_001406506.1, NM_001406507.1); c.1492C>G, p.Pro498Ala (NM_004949.5); short protein forms P498A, P355A.
Identifiers: ClinVar variation 3654889 (VCV003654889.2).